The following is an entry in ClinVar:

NM_080605.4(B3GALT6):c.199C>A (p.Pro67Thr)

Gene: B3GALT6 (beta-1,3-galactosyltransferase 6; plus strand). Cytogenetic location: 1p36.33.
Variant type: single nucleotide variant.
Coding change: c.199C>A on transcript NM_080605.4 (MANE Select); coding-DNA position 199, C replaced by A.
Protein change: p.Pro67Thr; replaces proline 67 with threonine.
Molecular consequence: missense variant.
Genome position (GRCh38, 1-based): chr1:1,232,477, C>A. VCF-style: chr1-1232477-C-A. GRCh37 (hg19) VCF-style: chr1-1167857-C-A.
Other names: short protein forms P67T.
Identifiers: ClinVar variation 2088561 (VCV002088561.4), dbSNP rs2521963125, ClinGen allele CA337823417.

ClinVar aggregate classification (germline): Uncertain significance (1 of 4 stars; one submission).

Conditions:
Spondyloepimetaphyseal dysplasia with joint laxity (SEMDJL). Identifiers: MedGen C0432243, MONDO:0019675.
Ehlers-Danlos syndrome, spondylodysplastic type, 2 (EDSSPD2). Also called: Ehlers-Danlos syndrome, progeroid type, 2. Identifiers: Orphanet 536467, Orphanet 75496, MedGen C3809210, MONDO:0014139, OMIM 615349.

Submission:

Labcorp Genetics (formerly Invitae), Labcorp
Classification: Uncertain significance for Ehlers-Danlos syndrome, spondylodysplastic type, 2; Spondyloepimetaphyseal dysplasia with joint laxity. Last evaluated: 2022-10-17. Review status: criteria provided, single submitter. Criteria: Invitae Variant Classification Sherloc (09022015). Collection method: clinical testing. Allele origin: germline.
Comment: This sequence change replaces proline, which is neutral and non-polar, with threonine, which is neutral and polar, at codon 67 of the B3GALT6 protein (p.Pro67Thr). The frequency data for this variant in the population databases is considered unreliable, as metrics indicate insufficient coverage at this position in the gnomAD database. This variant has not been reported in the literature in individuals affected with B3GALT6-related conditions. Advanced modeling of protein sequence and biophysical properties (such as structural, functional, and spatial information, amino acid conservation, physicochemical variation, residue mobility, and thermodynamic stability) has been performed at Invitae for this missense variant, however the output from this modeling did not meet the statistical confidence thresholds required to predict the impact of this variant on B3GALT6 protein function. This variant disrupts the p.Pro67 amino acid residue in B3GALT6. Other variant(s) that disrupt this residue have been determined to be pathogenic (PMID: 23664117, 24766538). This suggests that this residue is clinically significant, and that variants that disrupt this residue are likely to be disease-causing. In summary, the available evidence is currently insufficient to determine the role of this variant in disease. Therefore, it has been classified as a Variant of Uncertain Significance.

Literature cited by the submitters: PubMed 23664117; PubMed 24766538.